The following is an entry in ClinVar:

ClinVar aggregate classification (germline): Uncertain significance (1 of 4 stars; one submission).

Conditions:
Megalencephaly-polymicrogyria-postaxial polydactyly-hydrocephalus syndrome. Also called: MPPH Syndrome; MEG-PMG-MEGACC SYNDROME. Identifiers: Orphanet 83473, MedGen C1863924, MONDO:0019375.

gnomAD v4.1: 1 of 1,611,606 alleles (0.000062%); highest among the groups gnomAD compares: Non-Finnish European, 0.000085%; no homozygotes.

Submission:

Labcorp Genetics (formerly Invitae), Labcorp
Classification: Uncertain significance for Megalencephaly-polymicrogyria-postaxial polydactyly-hydrocephalus syndrome. Last evaluated: 2025-03-06. Review status: criteria provided, single submitter. Criteria: Invitae Variant Classification Sherloc (09022015). Collection method: clinical testing. Allele origin: germline.
Comment: This sequence change replaces arginine, which is basic and polar, with leucine, which is neutral and non-polar, at codon 147 of the PIK3R2 protein (p.Arg147Leu). This variant is not present in population databases (gnomAD no frequency). This variant has not been reported in the literature in individuals affected with PIK3R2-related conditions. Invitae Evidence Modeling of protein sequence and biophysical properties (such as structural, functional, and spatial information, amino acid conservation, physicochemical variation, residue mobility, and thermodynamic stability) indicates that this missense variant is not expected to disrupt PIK3R2 protein function with a negative predictive value of 95%. In summary, the available evidence is currently insufficient to determine the role of this variant in disease. Therefore, it has been classified as a Variant of Uncertain Significance.

NM_005027.4(PIK3R2):c.440G>T (p.Arg147Leu)

Gene: PIK3R2 (phosphoinositide-3-kinase regulatory subunit 2; plus strand). Cytogenetic location: 19p13.11.
Variant type: single nucleotide variant.
Coding change: c.440G>T on transcript NM_005027.4 (MANE Select); coding-DNA position 440, G replaced by T.
Protein change: p.Arg147Leu; replaces arginine 147 with leucine.
Molecular consequence: missense variant. On other transcripts: non-coding transcript variant (2).
Genome position (GRCh38, 1-based): chr19:18,160,943, G>T. VCF-style: chr19-18160943-G-T. GRCh37 (hg19) VCF-style: chr19-18271753-G-T.
Other names: short protein forms R147L.
Identifiers: ClinVar variation 4738532 (VCV004738532.1).